The following is an entry in ClinVar:

ClinVar aggregate classification (germline): Benign/Likely benign. Review status: criteria provided, multiple submitters, no conflicts (2 of 4 stars). 6 submissions from 6 submitters: Benign (1); Likely benign (5). Last evaluated 2026-02-04.

Conditions:
Polymerase proofreading-related adenomatous polyposis. Also called: Polymerase proofreading associated polyposis; Polymerase proofreading–associated polyposis (PPAP). Identifiers: Orphanet 447877, MedGen C5202613, MONDO:0018653.
Familial colorectal cancer type X. Identifiers: Orphanet 440437, MedGen C3896578, MONDO:0018604.
Hereditary cancer-predisposing syndrome. Also called: Tumor predisposition; Hereditary Cancer Syndrome; Neoplastic Syndromes, Hereditary; Hereditary neoplastic syndrome. Identifiers: Orphanet 140162, MedGen C0027672, MeSH D009386, MONDO:0015356.

Allele frequency attached by ClinVar (database versions not stated): gnomAD exomes 0.00004 and 0.00010; ExAC 0.00012; 1000 Genomes Project 30x 0.00016; 1000 Genomes Project 0.00020; ESP Exome Variant Server 0.00023; gnomAD 0.00027 and 0.00029; TOPMed 0.00031.

Submissions (6):

Labcorp Genetics (formerly Invitae), Labcorp
Classification: Benign. Last evaluated: 2026-02-04. Review status: criteria provided, single submitter. Criteria: Invitae Variant Classification Sherloc (09022015). Collection method: clinical testing. Allele origin: germline.

CeGaT Center for Human Genetics Tuebingen
Classification: Likely benign. Last evaluated: 2025-08-01. Review status: criteria provided, single submitter. Criteria: CeGaT Center For Human Genetics Tuebingen Variant Classification Criteria Version 2. Collection method: clinical testing. Allele origin: germline. Affected: yes. Observed: 1 variant allele.
Comment: POLE: BP4, BP7

Blueprint Genetics
Classification: Likely benign. Last evaluated: 2024-01-23. Review status: criteria provided, single submitter. Criteria: ACMG Guidelines, 2015. Collection method: clinical testing. Allele origin: germline.

GeneDx
Classification: Likely benign. Last evaluated: 2020-09-08. Review status: criteria provided, single submitter. Criteria: GeneDx Variant Classification (06012015). Collection method: clinical testing. Allele origin: germline. Affected: yes.

Department of Pathology and Laboratory Medicine, Sinai Health System
Classification: Likely benign for Polymerase proofreading-related adenomatous polyposis; Familial colorectal cancer type X. Last evaluated: 2020-02-04. Review status: criteria provided, single submitter. Criteria: ACMG Guidelines, 2015. Collection method: clinical testing. Allele origin: germline. Affected: yes.

Ambry Genetics
Classification: Likely benign for Hereditary cancer-predisposing syndrome. Last evaluated: 2016-03-09. Review status: criteria provided, single submitter. Criteria: Ambry Variant Classification Scheme 2023. Collection method: clinical testing. Allele origin: germline.

NM_006231.4(POLE):c.6831G>T (p.Leu2277=)

Gene: POLE (DNA polymerase epsilon, catalytic subunit; minus strand). Cytogenetic location: 12q24.33.
Variant type: single nucleotide variant.
Coding change: c.6831G>T on transcript NM_006231.4 (MANE Select); coding-DNA position 6831, G replaced by T.
Protein change: p.Leu2277=; no amino-acid change (leucine 2277 retained).
Molecular consequence: synonymous variant.
Genome position (GRCh38, 1-based): chr12:132,624,727, C>A on the plus strand (G>T on the coding strand, the complement: POLE is on the minus strand). VCF-style: chr12-132624727-C-A. GRCh37 (hg19) VCF-style: chr12-133201313-C-A.
Identifiers: ClinVar variation 246130 (VCV000246130.27), dbSNP rs145427269, ClinGen allele CA6891953.